The following is an entry in ClinVar:

ClinVar aggregate classification (germline): Uncertain significance (1 of 4 stars; one submission).

Conditions:
RASopathy. Also called: rasopathies; Noonan spectrum disorder. Identifiers: Orphanet 536391, MedGen C5555857, MONDO:0021060.

Allele frequency attached by ClinVar (database versions not stated): gnomAD exomes below 0.00001 and 0.00001.
gnomAD v4.1: 6 of 1,548,034 alleles (0.00039%); highest among the groups gnomAD compares: East Asian, 0.0025%; no homozygotes.

Submission:

Labcorp Genetics (formerly Invitae), Labcorp
Classification: Uncertain significance for RASopathy. Last evaluated: 2024-10-07. Review status: criteria provided, single submitter. Criteria: Invitae Variant Classification Sherloc (09022015). Collection method: clinical testing. Allele origin: germline.
Comment: This sequence change replaces leucine, which is neutral and non-polar, with phenylalanine, which is neutral and non-polar, at codon 62 of the CBL protein (p.Leu62Phe). This variant is present in population databases (no rsID available, gnomAD 0.002%). This variant has not been reported in the literature in individuals affected with CBL-related conditions. ClinVar contains an entry for this variant (Variation ID: 863546). Invitae Evidence Modeling of protein sequence and biophysical properties (such as structural, functional, and spatial information, amino acid conservation, physicochemical variation, residue mobility, and thermodynamic stability) has been performed for this missense variant. However, the output from this modeling did not meet the statistical confidence thresholds required to predict the impact of this variant on CBL protein function. In summary, the available evidence is currently insufficient to determine the role of this variant in disease. Therefore, it has been classified as a Variant of Uncertain Significance.

NM_005188.4(CBL):c.184C>T (p.Leu62Phe)

Genes: CBL (Cbl proto-oncogene; plus strand), LOC130006895 (ATAC-STARR-seq lymphoblastoid silent region 3975; plus strand). Cytogenetic location: 11q23.3.
Variant type: single nucleotide variant.
Coding change: c.184C>T on transcript NM_005188.4 (MANE Select); coding-DNA position 184, C replaced by T.
Protein change: p.Leu62Phe; replaces leucine 62 with phenylalanine.
Molecular consequence: missense variant.
Genome position (GRCh38, 1-based): chr11:119,206,601, C>T. VCF-style: chr11-119206601-C-T. GRCh37 (hg19) VCF-style: chr11-119077311-C-T.
Other names: short protein forms L62F.
Identifiers: ClinVar variation 863546 (VCV000863546.10), dbSNP rs1459635883, ClinGen allele CA382976698.